The following is an entry in ClinVar:

NM_001080508.3(TBX18):c.1183_1191del (p.Cys395_Ser397del)

Gene: TBX18 (T-box transcription factor 18; minus strand). Cytogenetic location: 6q14.3.
Variant type: Deletion.
Coding change: c.1183_1191del on transcript NM_001080508.3 (MANE Select); coding-DNA positions 1183 to 1191, 9 bases deleted (TGCTCCTCT; older notation c.1183_1191delTGCTCCTCT).
Protein change: p.Cys395_Ser397del.
Genome position (GRCh38, 1-based): chr6:84,737,318-84,737,326, AGAGGAGCA deleted on the plus strand (TGCTCCTCT on the coding strand, the reverse complement: TBX18 is on the minus strand); deleting any 9 consecutive bases within chr6:84,737,318-84,737,334 gives the same sequence; the c. name uses the placement nearest the transcript's 3' end. VCF-style (leftmost placement, unchanged base first): chr6-84737317-GAGAGGAGCA-G. GRCh37 (hg19) VCF-style: chr6-85447035-GAGAGGAGCA-G.
Identifiers: ClinVar variation 3383670 (VCV003383670.3).

ClinVar aggregate classification (germline): Uncertain significance. Review status: criteria provided, multiple submitters, no conflicts (2 of 4 stars). 2 submissions from 2 submitters: Uncertain significance (2). Last evaluated 2024-06-13.

Submissions (2):

Labcorp Genetics (formerly Invitae), Labcorp
Classification: Uncertain significance. Last evaluated: 2024-06-13. Review status: criteria provided, single submitter. Criteria: Invitae Variant Classification Sherloc (09022015). Collection method: clinical testing. Allele origin: germline.
Comment: This variant, c.1183_1191del, results in the deletion of 3 amino acid(s) of the TBX18 protein (p.Cys395_Ser397del), but otherwise preserves the integrity of the reading frame. This variant is present in population databases (rs754599878, gnomAD 0.01%). This variant has not been reported in the literature in individuals affected with TBX18-related conditions. Experimental studies and prediction algorithms are not available or were not evaluated, and the functional significance of this variant is currently unknown. In summary, the available evidence is currently insufficient to determine the role of this variant in disease. Therefore, it has been classified as a Variant of Uncertain Significance.

GeneDx
Classification: Uncertain significance. Last evaluated: 2024-05-30. Review status: criteria provided, single submitter. Criteria: GeneDx Variant Classification Process June 2021. Collection method: clinical testing. Allele origin: germline. Affected: yes.
Comment: In-frame deletion of 3 amino acids in a non-repeat region; In silico analysis supports a deleterious effect on protein structure/function; Has not been previously published as pathogenic or benign to our knowledge